The following is an entry in ClinVar:

ClinVar aggregate classification (germline): Uncertain significance (1 of 4 stars; one submission).

Submission:

CeGaT Center for Human Genetics Tuebingen
Classification: Uncertain significance. Last evaluated: 2025-01-01. Review status: criteria provided, single submitter. Criteria: CeGaT Center For Human Genetics Tuebingen Variant Classification Criteria Version 2. Collection method: clinical testing. Allele origin: germline. Affected: yes. Observed: 1 variant allele.
Comment: ADAMTSL4: PM2, PM4

NM_019032.6(ADAMTSL4):c.2483_2484insACAGCCCCCCAGCAGAGAGGCCTGTGACATGGGGCCCTGTACTACTGCGTCAGGCCCCCC (p.Ala844_Trp845insSerGlyProProGlnProProSerArgGluAlaCysAspMetGlyProCysThrThrAla)

Gene: ADAMTSL4 (ADAMTS like 4; plus strand). Cytogenetic location: 1q21.2.
Variant type: Insertion.
Coding change: c.2483_2484insACAGCCCCCCAGCAGAGAGGCCTGTGACATGGGGCCCTGTACTACTGCGTCAGGCCCCCC on transcript NM_019032.6 (MANE Select); coding-DNA positions 2483 to 2484, ACAGCCCCCCAGCAGAGAGGCCTGTGACATGGGGCCCTGTACTACTGCGTCAGGCCCCCC inserted.
Protein change: p.Ala844_Trp845insSerGlyProProGlnProProSerArgGluAlaCysAspMetGlyProCysThrThrAla.
Genome position: GRCh38: chr1:150,558,573-150,558,574. GRCh37 (hg19): chr1:150,531,049-150,531,050.
Other names: c.2366_2367insACAGCCCCCCAGCAGAGAGGCCTGTGACATGGGGCCCTGTACTACTGCGTCAGGCCCCCC, p.Ala805_Trp806insSerGlyProProGlnProProSerArgGluAlaCysAspMetGlyProCysThrThrAla (NM_001288607.2); c.2552_2553insACAGCCCCCCAGCAGAGAGGCCTGTGACATGGGGCCCTGTACTACTGCGTCAGGCCCCCC, p.Ala867_Trp868insSerGlyProProGlnProProSerArgGluAlaCysAspMetGlyProCysThrThrAla (NM_001288608.2); c.2483_2484insACAGCCCCCCAGCAGAGAGGCCTGTGACATGGGGCCCTGTACTACTGCGTCAGGCCCCCC, p.Ala844_Trp845insSerGlyProProGlnProProSerArgGluAlaCysAspMetGlyProCysThrThrAla (NM_001378596.1, NM_025008.5).
Identifiers: ClinVar variation 3772319 (VCV003772319.13).